The following is an entry in ClinVar:

ClinVar aggregate classification (germline): Likely pathogenic. Review status: criteria provided, multiple submitters, no conflicts (2 of 4 stars). 3 submissions from 3 submitters: Likely pathogenic (3). Last evaluated 2025-02-04.

Conditions:
SLCO2A1-related disorder. Also called: SLCO2A1-related condition.
Hypertrophic osteoarthropathy, primary, autosomal recessive, 2 (PHOAR2E). Also called: HYPERTROPHIC OSTEOARTHROPATHY, PRIMARY, AUTOSOMAL RECESSIVE, 2/ENTEROPATHY SYNDROME; PHOAR2-enteropathy syndrome; PACHYDERMOPERIOSTOSIS, AUTOSOMAL RECESSIVE; PDP, AUTOSOMAL RECESSIVE. Identifiers: Orphanet 2796, MedGen C3280800, MONDO:0013756, OMIM 614441.

Allele frequency attached by ClinVar (database versions not stated): gnomAD exomes 0.00001; TOPMed 0.00001.
gnomAD v4.1: 20 of 1,614,008 alleles (0.0012%); highest among the groups gnomAD compares: Non-Finnish European, 0.0014%; no homozygotes.

Submissions (3):

Labcorp Genetics (formerly Invitae), Labcorp
Classification: Likely pathogenic. Last evaluated: 2025-02-04. Review status: criteria provided, single submitter. Criteria: Invitae Variant Classification Sherloc (09022015). Collection method: clinical testing. Allele origin: germline.
Comment: This sequence change replaces arginine, which is basic and polar, with histidine, which is basic and polar, at codon 97 of the SLCO2A1 protein (p.Arg97His). This variant is present in population databases (no rsID available, gnomAD 0.005%). This missense change has been observed in individuals with primary hypertrophic osteoarthropathy (PMID: 22553128, 36241536). ClinVar contains an entry for this variant (Variation ID: 931465). Invitae Evidence Modeling of protein sequence and biophysical properties (such as structural, functional, and spatial information, amino acid conservation, physicochemical variation, residue mobility, and thermodynamic stability) indicates that this missense variant is expected to disrupt SLCO2A1 protein function with a positive predictive value of 95%. This variant disrupts the p.Arg97 amino acid residue in SLCO2A1. Other variant(s) that disrupt this residue have been observed in individuals with SLCO2A1-related conditions (PMID: 28425581, 36583020), which suggests that this may be a clinically significant amino acid residue. In summary, the currently available evidence indicates that the variant is pathogenic, but additional data are needed to prove that conclusively. Therefore, this variant has been classified as Likely Pathogenic.

Blueprint Genetics
Classification: Likely pathogenic for SLCO2A1-related disorders. Last evaluated: 2023-05-10. Review status: criteria provided, single submitter. Criteria: ACMG Guidelines, 2015. Collection method: clinical testing. Allele origin: germline. Affected: yes. Observed: 4 variant alleles.

Centre for Mendelian Genomics, University Medical Centre Ljubljana
Classification: Likely pathogenic for Hypertrophic osteoarthropathy, primary, autosomal recessive, 2. Last evaluated: 2016-01-01. Review status: criteria provided, single submitter. Criteria: ACMG Guidelines, 2015. Collection method: clinical testing. Allele origin: unknown. Affected: yes.
Comment: This variant was classified as: Likely pathogenic. The following ACMG criteria were applied in classifying this variant: PS1,PM2,PP3. This variant was detected in homozygous state.

Literature cited by the submitters: PubMed 22553128 (cited by Labcorp Genetics (formerly Invitae), Labcorp); PubMed 36241536 (cited by Labcorp Genetics (formerly Invitae), Labcorp); PubMed 28425581 (cited by Labcorp Genetics (formerly Invitae), Labcorp); PubMed 36583020 (cited by Labcorp Genetics (formerly Invitae), Labcorp).

NM_005630.3(SLCO2A1):c.290G>A (p.Arg97His)

Gene: SLCO2A1 (solute carrier organic anion transporter family member 2A1; minus strand). Cytogenetic location: 3q22.1.
Variant type: single nucleotide variant.
Coding change: c.290G>A on transcript NM_005630.3 (MANE Select); coding-DNA position 290, G replaced by A.
Protein change: p.Arg97His; replaces arginine 97 with histidine.
Molecular consequence: missense variant.
Genome position (GRCh38, 1-based): chr3:133,973,770, C>T on the plus strand (G>A on the coding strand, the complement: SLCO2A1 is on the minus strand). VCF-style: chr3-133973770-C-T. GRCh37 (hg19) VCF-style: chr3-133692614-C-T.
Other names: short protein forms R97H.
Identifiers: ClinVar variation 931465 (VCV000931465.5), dbSNP rs1376989560, ClinGen allele CA354620397.